The following is an entry in ClinVar:

NM_001110556.2(FLNA):c.7612C>G (p.Leu2538Val)

Genes: FLNA (filamin A; minus strand), LOC107988032 (Xq28 proximal FLNA-EMD recombination region; plus strand). Cytogenetic location: Xq28.
Variant type: single nucleotide variant.
Coding change: c.7612C>G on transcript NM_001110556.2 (MANE Select); coding-DNA position 7612, C replaced by G.
Protein change: p.Leu2538Val; replaces leucine 2538 with valine.
Molecular consequence: missense variant.
Genome position (GRCh38, 1-based): chrX:154,349,506, G>C on the plus strand (C>G on the coding strand, the complement: FLNA is on the minus strand). VCF-style: chrX-154349506-G-C. GRCh37 (hg19) VCF-style: chrX-153577874-G-C.
Other names: c.7588C>G, p.Leu2530Val (NM_001456.4); short protein forms L2530V, L2538V.
Identifiers: ClinVar variation 2938148 (VCV002938148.3), dbSNP rs886044883, ClinGen allele CA337272725.

ClinVar aggregate classification (germline): Uncertain significance (1 of 4 stars; one submission).

Conditions:
Oto-palato-digital syndrome, type II (OPD2). Also called: FACIOPALATOOSSEOUS SYNDROME; OPD II SYNDROME; Otopalatodigital Syndrome, Type II; Otopalatodigital Syndrome Type 2 (FLNA-OPD2). Identifiers: Orphanet 669, Orphanet 90652, MedGen C1844696, MONDO:0010571, OMIM 304120.
Heterotopia, periventricular, X-linked dominant (PVNH1). Also called: PERIVENTRICULAR NODULAR HETEROTOPIA 1; X-linked periventricular heterotopia; PERIVENTRICULAR NODULAR HETEROTOPIA 4; HETEROTOPIA, PERIVENTRICULAR, 1. Identifiers: Orphanet 2149, Orphanet 82004, MedGen C1848213, MONDO:0010233, OMIM 300049.
Frontometaphyseal dysplasia (FMD1). Identifiers: Orphanet 1826, MedGen C0265293, MONDO:0015942.
Melnick-Needles syndrome (MNS). Also called: MELNICK-NEEDLES OSTEODYSPLASTY; OSTEODYSPLASTY OF MELNICK AND NEEDLES; Melnick-Needles Syndrome (FLNA-MNS). Identifiers: Orphanet 2484, MedGen C0025237, MONDO:0010650, OMIM 309350.

Submission:

Labcorp Genetics (formerly Invitae), Labcorp
Classification: Uncertain significance for Oto-palato-digital syndrome, type II; Heterotopia, periventricular, X-linked dominant; Frontometaphyseal dysplasia; Melnick-Needles syndrome. Last evaluated: 2025-12-02. Review status: criteria provided, single submitter. Criteria: Invitae Variant Classification Sherloc (09022015). Collection method: clinical testing. Allele origin: germline.
Comment: This sequence change replaces leucine, which is neutral and non-polar, with valine, which is neutral and non-polar, at codon 2530 of the FLNA protein (p.Leu2530Val). This variant is not present in population databases (gnomAD no frequency). This variant has not been reported in the literature in individuals affected with FLNA-related conditions. ClinVar contains an entry for this variant (Variation ID: 2938148). Invitae Evidence Modeling of protein sequence and biophysical properties (such as structural, functional, and spatial information, amino acid conservation, physicochemical variation, residue mobility, and thermodynamic stability) indicates that this missense variant is not expected to disrupt FLNA protein function with a negative predictive value of 95%. In summary, the available evidence is currently insufficient to determine the role of this variant in disease. Therefore, it has been classified as a Variant of Uncertain Significance.